The following is an entry in ClinVar:

NM_000368.5(TSC1):c.2645C>T (p.Ala882Val)

Gene: TSC1 (TSC complex subunit 1; minus strand). Cytogenetic location: 9q34.13.
Variant type: single nucleotide variant.
Coding change: c.2645C>T on transcript NM_000368.5 (MANE Select); coding-DNA position 2645, C replaced by T.
Protein change: p.Ala882Val; replaces alanine 882 with valine.
Molecular consequence: missense variant.
Genome position (GRCh38, 1-based): chr9:132,897,591, G>A on the plus strand (C>T on the coding strand, the complement: TSC1 is on the minus strand). VCF-style: chr9-132897591-G-A. GRCh37 (hg19) VCF-style: chr9-135772978-G-A.
Other names: c.2642C>T, p.Ala881Val (NM_001162426.2); c.2492C>T, p.Ala831Val (NM_001162427.2); c.2282C>T, p.Ala761Val (NM_001362177.2); short protein forms A882V, A881V, A761V, A831V.
Identifiers: ClinVar variation 466094 (VCV000466094.8), dbSNP rs1554813594, ClinGen allele CA375369645.

ClinVar aggregate classification (germline): Uncertain significance (1 of 4 stars; one submission).

Conditions:
Tuberous sclerosis 1 (TSC1). Identifiers: Orphanet 805, MedGen C1854465, MONDO:0008612, OMIM 191100.

Submission:

Labcorp Genetics (formerly Invitae), Labcorp
Classification: Uncertain significance for Tuberous sclerosis 1. Last evaluated: 2025-08-09. Review status: criteria provided, single submitter. Criteria: Invitae Variant Classification Sherloc (09022015). Collection method: clinical testing. Allele origin: germline.
Comment: This sequence change replaces alanine, which is neutral and non-polar, with valine, which is neutral and non-polar, at codon 882 of the TSC1 protein (p.Ala882Val). This variant is not present in population databases (gnomAD no frequency). This variant has not been reported in the literature in individuals affected with TSC1-related conditions. ClinVar contains an entry for this variant (Variation ID: 466094). Invitae Evidence Modeling of protein sequence and biophysical properties (such as structural, functional, and spatial information, amino acid conservation, physicochemical variation, residue mobility, and thermodynamic stability) indicates that this missense variant is not expected to disrupt TSC1 protein function with a negative predictive value of 95%. In summary, the available evidence is currently insufficient to determine the role of this variant in disease. Therefore, it has been classified as a Variant of Uncertain Significance.